The following is an entry in ClinVar:

NM_001283009.2(RTEL1):c.1039T>C (p.Tyr347His)

Genes: RTEL1 (regulator of telomere elongation helicase 1; plus strand), RTEL1-TNFRSF6B (RTEL1-TNFRSF6B readthrough (NMD candidate); plus strand). Cytogenetic location: 20q13.33.
Variant type: single nucleotide variant.
Coding change: c.1039T>C on transcript NM_001283009.2 (MANE Select); coding-DNA position 1039, T replaced by C.
Protein change: p.Tyr347His; replaces tyrosine 347 with histidine.
Molecular consequence: missense variant. On other transcripts: non-coding transcript variant (1).
Genome position (GRCh38, 1-based): chr20:63,679,850, T>C. VCF-style: chr20-63679850-T-C. GRCh37 (hg19) VCF-style: chr20-62311203-T-C.
Other names: c.370T>C, p.Tyr124His (NM_001283010.1); c.1039T>C, p.Tyr347His (NM_016434.4); c.1111T>C, p.Tyr371His (NM_032957.5); short protein forms Y124H, Y347H, Y371H.
Identifiers: ClinVar variation 3762194 (VCV003762194.2).
Genomic context (GRCh38, chr20:63,679,850, plus strand): 5'-CCCAAAGCTGCAGTCTGGTCCCCCCGCCAGGCTCGAGCCTGCCTTCTTCTCCTCGGCAGC[T>C]ACATCTTTGAGCTGTTTGCTGAAGCCCAGATCACGTTTCAGACCAAGGGCTGCATCCTGG-3'
Protein context (NP_001269938.1, residues 337-357): DDSGVTKPGS[Tyr347His]IFELFAEAQI

ClinVar aggregate classification (germline): Uncertain significance (1 of 4 stars; one submission).

Conditions:
Dyskeratosis congenita, autosomal recessive 5 (DKCB5). Identifiers: MedGen C3554656, MONDO:0014076, OMIM 615190.
Pulmonary fibrosis and/or bone marrow failure, Telomere-related, 3. Also called: PULMONARY FIBROSIS AND/OR BONE MARROW FAILURE SYNDROME, TELOMERE-RELATED, 3. Identifiers: Orphanet 2032, MedGen C4225346, MONDO:0014613, OMIM 616373.

Submission:

Labcorp Genetics (formerly Invitae), Labcorp
Classification: Uncertain significance for Dyskeratosis congenita, autosomal recessive 5; Pulmonary fibrosis and/or bone marrow failure, Telomere-related, 3. Last evaluated: 2024-04-29. Review status: criteria provided, single submitter. Criteria: Invitae Variant Classification Sherloc (09022015). Collection method: clinical testing. Allele origin: germline.
Comment: This sequence change replaces tyrosine, which is neutral and polar, with histidine, which is basic and polar, at codon 347 of the RTEL1 protein (p.Tyr347His). This variant is not present in population databases (gnomAD no frequency). This variant has not been reported in the literature in individuals affected with RTEL1-related conditions. An algorithm developed to predict the effect of missense changes on protein structure and function (PolyPhen-2) suggests that this variant is likely to be disruptive. In summary, the available evidence is currently insufficient to determine the role of this variant in disease. Therefore, it has been classified as a Variant of Uncertain Significance.